The following is an entry in ClinVar:

NM_004715.5(CTDP1):c.864-5T>A

Gene: CTDP1 (CTD phosphatase subunit 1; plus strand). Cytogenetic location: 18q23.
Variant type: single nucleotide variant.
Coding change: c.864-5T>A on transcript NM_004715.5 (MANE Select); 5 bases into the intron before coding-DNA position 864, T replaced by A.
Molecular consequence: intron variant.
Genome position (GRCh38, 1-based): chr18:79,712,967, T>A. VCF-style: chr18-79712967-T-A. GRCh37 (hg19) VCF-style: chr18-77472967-T-A.
Other names: c.864-5T>A (NM_001318511.2, NM_048368.4); c.507-5T>A (NM_001202504.1).
Identifiers: ClinVar variation 2047976 (VCV002047976.4), dbSNP rs2512076697, ClinGen allele CA2580096007.

ClinVar aggregate classification (germline): Uncertain significance (1 of 4 stars; one submission).

Submission:

Labcorp Genetics (formerly Invitae), Labcorp
Classification: Uncertain significance. Last evaluated: 2026-01-19. Review status: criteria provided, single submitter. Criteria: Invitae Variant Classification Sherloc (09022015). Collection method: clinical testing. Allele origin: germline.
Comment: This sequence change falls in intron 6 of the CTDP1 gene. It does not directly change the encoded amino acid sequence of the CTDP1 protein. This variant is not present in population databases (gnomAD no frequency). This variant has not been reported in the literature in individuals affected with CTDP1-related conditions. ClinVar contains an entry for this variant (Variation ID: 2047976). Algorithms developed to predict the effect of sequence changes on RNA splicing suggest that this variant may disrupt the consensus splice site. In summary, the available evidence is currently insufficient to determine the role of this variant in disease. Therefore, it has been classified as a Variant of Uncertain Significance.